The following is an entry in ClinVar:

NM_198578.4(LRRK2):c.4816A>C (p.Ile1606Leu)

Gene: LRRK2 (leucine rich repeat kinase 2; plus strand). Cytogenetic location: 12q12.
Variant type: single nucleotide variant.
Coding change: c.4816A>C on transcript NM_198578.4 (MANE Select); coding-DNA position 4816, A replaced by C.
Protein change: p.Ile1606Leu; replaces isoleucine 1606 with leucine.
Molecular consequence: missense variant.
Genome position (GRCh38, 1-based): chr12:40,315,289, A>C. VCF-style: chr12-40315289-A-C. GRCh37 (hg19) VCF-style: chr12-40709091-A-C.
Other names: short protein forms I1606L.
Identifiers: ClinVar variation 1743314 (VCV001743314.2), dbSNP rs2499853254, ClinGen allele CA384419350.

ClinVar aggregate classification (germline): Uncertain significance (1 of 4 stars; one submission).

Conditions:
Inborn genetic diseases. Identifiers: MedGen C0950123, MeSH D030342.

Submission:

Ambry Genetics
Classification: Uncertain significance for Inborn genetic diseases. Last evaluated: 2022-08-30. Review status: criteria provided, single submitter. Criteria: Ambry Variant Classification Scheme 2023. Collection method: clinical testing. Allele origin: germline.
Comment: The p.I1606L variant (also known as c.4816A>C), located in coding exon 33 of the LRRK2 gene, results from an A to C substitution at nucleotide position 4816. The isoleucine at codon 1606 is replaced by leucine, an amino acid with highly similar properties. This amino acid position is conserved. In addition, this alteration is predicted to be tolerated by in silico analysis. Since supporting evidence is limited at this time, the clinical significance of this alteration remains unclear.